The following is an entry in ClinVar:

NM_000501.4(ELN):c.2033-16A>G

Gene: ELN (elastin; plus strand). Cytogenetic location: 7q11.23.
Variant type: single nucleotide variant.
Coding change: c.2033-16A>G on transcript NM_000501.4 (MANE Select); 16 bases into the intron before coding-DNA position 2033, A replaced by G.
Molecular consequence: intron variant.
Genome position (GRCh38, 1-based): chr7:74,065,928, A>G. VCF-style: chr7-74065928-A-G. GRCh37 (hg19) VCF-style: chr7-73480258-A-G.
Other names: c.2047+196A>G (NM_001081754.3); c.1990+196A>G (NM_001081753.3); c.2219-16A>G (NM_001278939.2); c.2051-16A>G (NM_001278915.2); c.2032+196A>G (NM_001278912.2); c.1976-16A>G (NM_001081755.3); c.1888+196A>G (NM_001278916.2); c.1790-16A>G (NM_001278913.2); and 4 more.
Identifiers: ClinVar variation 256305 (VCV000256305.17), dbSNP rs45618836, ClinGen allele CA4293360.

ClinVar aggregate classification (germline): Benign. Review status: criteria provided, multiple submitters, no conflicts (2 of 4 stars). 6 submissions from 6 submitters: Benign (6). Last evaluated 2026-02-04.

Conditions:
Supravalvar aortic stenosis (SVAS). Also called: Supravalvar aortic stenosis, Eisenberg type. Identifiers: Orphanet 3193, MedGen C0003499, MONDO:0008504, OMIM 185500, HP:0004381.

Allele frequency attached by ClinVar (database versions not stated): 1000 Genomes Project 0.00958; 1000 Genomes Project 30x 0.01046; TOPMed 0.02042; ESP Exome Variant Server 0.02599; gnomAD 0.02667 and 0.02805; gnomAD exomes 0.03161.
gnomAD v4.1: 50,052 of 1,614,004 alleles (3.1%); highest among the groups gnomAD compares: Non-Finnish European, 3.4%; 1,036 homozygotes.

Submissions (6):

Labcorp Genetics (formerly Invitae), Labcorp
Classification: Benign for Supravalvar aortic stenosis. Last evaluated: 2026-02-04. Review status: criteria provided, single submitter. Criteria: Invitae Variant Classification Sherloc (09022015). Collection method: clinical testing. Allele origin: germline.

Women's Health and Genetics/Laboratory Corporation of America, LabCorp
Classification: Benign. Last evaluated: 2023-04-09. Review status: criteria provided, single submitter. Criteria: LabCorp Variant Classification Summary - May 2015. Collection method: clinical testing. Allele origin: germline.

Laboratory for Molecular Medicine, Mass General Brigham Personalized Medicine
Classification: Benign. Last evaluated: 2016-04-25. Review status: criteria provided, single submitter. Criteria: LMM Criteria. Collection method: clinical testing. Allele origin: germline.
Comment: Variant identified in a genome or exome case(s) and assessed due to predicted null impact of the variant or pathogenic assertions in the literature or databases. Disclaimer: This variant has not undergone full assessment. The following are preliminary notes: Frequency in 1000Genomes: 38/2178=1.7%

GeneDx
Classification: Benign. Last evaluated: 2015-03-03. Review status: criteria provided, single submitter. Criteria: GeneDx Variant Classification Process June 2021. Collection method: clinical testing. Allele origin: germline. Affected: yes.

Breakthrough Genomics
Classification: Benign. Review status: criteria provided, single submitter. Criteria: ACMG Guidelines, 2015. Collection method: not provided. Allele origin: germline. Inheritance: Autosomal dominant inheritance. Affected: yes.

PreventionGenetics, part of Exact Sciences
Classification: Benign. Review status: criteria provided, single submitter. Criteria: ACMG Guidelines, 2015. Collection method: clinical testing. Allele origin: germline.